The following is an entry in ClinVar:

NM_014516.4(CNOT3):c.672T>G (p.Phe224Leu)

Gene: CNOT3 (CCR4-NOT transcription complex subunit 3; plus strand). Cytogenetic location: 19q13.42.
Variant type: single nucleotide variant.
Coding change: c.672T>G on transcript NM_014516.4 (MANE Select); coding-DNA position 672, T replaced by G.
Protein change: p.Phe224Leu; replaces phenylalanine 224 with leucine.
Molecular consequence: missense variant.
Genome position (GRCh38, 1-based): chr19:54,145,786, T>G. VCF-style: chr19-54145786-T-G. GRCh37 (hg19) VCF-style: chr19-54649522-T-G.
Other names: short protein forms F224L.
Identifiers: ClinVar variation 2582157 (VCV002582157.1), dbSNP rs2517545401, ClinGen allele CA407761444.
Genomic context (GRCh38, chr19:54,145,786, plus strand): 5'-GGACGACGTTGAGTACTATGTTGACTCATCCCAGGACCCCGACTTCGAGGAGAACGAGTT[T>G]CTCTACGATGACCTGGACCTCGAGGACATTCGTGAGGCCCTGGGGCTGATCGTGGCACAG-3'
Protein context (NP_055331.1, residues 214-234): SQDPDFEENE[Phe224Leu]LYDDLDLEDI

ClinVar aggregate classification (germline): Uncertain significance (1 of 4 stars; one submission).

Submission:

GeneDx
Classification: Uncertain significance. Last evaluated: 2023-03-24. Review status: criteria provided, single submitter. Criteria: GeneDx Variant Classification Process June 2021. Collection method: clinical testing. Allele origin: germline. Affected: yes.
Comment: Not observed at significant frequency in large population cohorts (gnomAD); In silico analysis supports that this missense variant has a deleterious effect on protein structure/function; Has not been previously published as pathogenic or benign to our knowledge